The following is an entry in ClinVar:

NM_001365951.3(KIF1B):c.2692G>A (p.Gly898Ser)

Genes: KIF1B (kinesin family member 1B; plus strand), LOC126805614 (BRD4-independent group 4 enhancer GRCh37_chr1:10385546-10386745; plus strand). Cytogenetic location: 1p36.22.
Variant type: single nucleotide variant.
Coding change: c.2692G>A on transcript NM_001365951.3 (MANE Select); coding-DNA position 2692, G replaced by A.
Protein change: p.Gly898Ser; replaces glycine 898 with serine.
Molecular consequence: missense variant.
Genome position (GRCh38, 1-based): chr1:10,326,127, G>A. VCF-style: chr1-10326127-G-A. GRCh37 (hg19) VCF-style: chr1-10386185-G-A.
Other names: c.2692G>A, p.Gly898Ser (NM_001365952.1); c.2554G>A, p.Gly852Ser (NM_015074.3); short protein forms G852S, G898S.
Identifiers: ClinVar variation 1792993 (VCV001792993.8), dbSNP rs773982003, ClinGen allele CA17836807.

ClinVar aggregate classification (germline): Uncertain significance. Review status: criteria provided, multiple submitters, no conflicts (2 of 4 stars). 3 submissions from 3 submitters: Uncertain significance (3). Last evaluated 2023-11-16.

Conditions:
Charcot-Marie-Tooth disease type 2. Also called: Charcot-Marie-Tooth type 2. Identifiers: Orphanet 64746, MedGen C0270914, MONDO:0018993.
Neuroblastoma, susceptibility to, 1. Identifiers: MedGen C2749485, MONDO:0009741, OMIM 256700.
Charcot-Marie-Tooth disease type 2A1. Also called: CHARCOT-MARIE-TOOTH DISEASE, AXONAL, TYPE 2A1; CHARCOT-MARIE-TOOTH DISEASE, AXONAL, AUTOSOMAL DOMINANT, TYPE 2A1; CHARCOT-MARIE-TOOTH DISEASE, NEURONAL, TYPE 2A1; CHARCOT-MARIE-TOOTH NEUROPATHY, TYPE 2A1; HEREDITARY MOTOR AND SENSORY NEUROPATHY IIA1. Identifiers: Orphanet 99946, MedGen C1861678, MONDO:0007308, OMIM 118210.

Allele frequency attached by ClinVar (database versions not stated): gnomAD 0.00001; gnomAD exomes 0.00002.
gnomAD v4.1: 35 of 1,613,860 alleles (0.0022%); highest among the groups gnomAD compares: Non-Finnish European, 0.0025%; no homozygotes.

Submissions (3):

Ambry Genetics
Classification: Uncertain significance. Last evaluated: 2023-11-16. Review status: criteria provided, single submitter. Criteria: Ambry Variant Classification Scheme 2023. Collection method: clinical testing. Allele origin: germline.
Comment: The p.G852S variant (also known as c.2554G>A), located in coding exon 24 of the KIF1B gene, results from a G to A substitution at nucleotide position 2554. The glycine at codon 852 is replaced by serine, an amino acid with similar properties. This amino acid position is highly conserved in available vertebrate species. In addition, the in silico prediction for this alteration is inconclusive. The evidence for this gene-disease relationship is limited; therefore, the clinical significance of this alteration is unclear.

Department of Pathology and Laboratory Medicine, Sinai Health System
Classification: Uncertain significance for Charcot-Marie-Tooth disease type 2A1; Neuroblastoma, susceptibility to, 1. Last evaluated: 2023-05-10. Review status: criteria provided, single submitter. Criteria: ACMG Guidelines, 2015. Collection method: research. Allele origin: germline.

Labcorp Genetics (formerly Invitae), Labcorp
Classification: Uncertain significance for Charcot-Marie-Tooth disease type 2. Last evaluated: 2022-10-18. Review status: criteria provided, single submitter. Criteria: Invitae Variant Classification Sherloc (09022015). Collection method: clinical testing. Allele origin: germline.
Comment: In summary, the available evidence is currently insufficient to determine the role of this variant in disease. Therefore, it has been classified as a Variant of Uncertain Significance. Algorithms developed to predict the effect of sequence changes on RNA splicing suggest that this variant may create or strengthen a splice site. Algorithms developed to predict the effect of missense changes on protein structure and function are either unavailable or do not agree on the potential impact of this missense change (SIFT: "Tolerated"; PolyPhen-2: "Probably Damaging"; Align-GVGD: "Class C0"). This variant has not been reported in the literature in individuals affected with KIF1B-related conditions. This variant is present in population databases (rs773982003, gnomAD 0.004%). This sequence change replaces glycine, which is neutral and non-polar, with serine, which is neutral and polar, at codon 852 of the KIF1B protein (p.Gly852Ser).